The following is an entry in ClinVar:

NM_020821.3(VPS13C):c.8677A>G (p.Met2893Val)

Gene: VPS13C (vacuolar protein sorting 13 homolog C; minus strand). Cytogenetic location: 15q22.2.
Variant type: single nucleotide variant.
Coding change: c.8677A>G on transcript NM_020821.3 (MANE Select); coding-DNA position 8677, A replaced by G.
Protein change: p.Met2893Val; replaces methionine 2893 with valine.
Molecular consequence: missense variant.
Genome position (GRCh38, 1-based): chr15:61,911,878, T>C on the plus strand (A>G on the coding strand, the complement: VPS13C is on the minus strand). VCF-style: chr15-61911878-T-C. GRCh37 (hg19) VCF-style: chr15-62204077-T-C.
Other names: c.8677A>G, p.Met2893Val (NM_001018088.3); c.8548A>G, p.Met2850Val (NM_017684.5, NM_018080.4); short protein forms M2850V, M2893V.
Identifiers: ClinVar variation 1976003 (VCV001976003.3), dbSNP rs545094428, ClinGen allele CA271884309.

ClinVar aggregate classification (germline): Uncertain significance (1 of 4 stars; one submission).

Allele frequency attached by ClinVar (database versions not stated): gnomAD exomes 0.00002; gnomAD 0.00003; TOPMed 0.00003.
gnomAD v4.1: 29 of 1,612,418 alleles (0.0018%); highest among the groups gnomAD compares: East Asian, 0.016%; no homozygotes.

Submission:

Labcorp Genetics (formerly Invitae), Labcorp
Classification: Uncertain significance. Last evaluated: 2022-08-05. Review status: criteria provided, single submitter. Criteria: Invitae Variant Classification Sherloc (09022015). Collection method: clinical testing. Allele origin: germline.
Comment: In summary, the available evidence is currently insufficient to determine the role of this variant in disease. Therefore, it has been classified as a Variant of Uncertain Significance. Algorithms developed to predict the effect of sequence changes on RNA splicing suggest that this variant may create or strengthen a splice site. Algorithms developed to predict the effect of missense changes on protein structure and function output the following: SIFT: "Tolerated"; PolyPhen-2: "Benign"; Align-GVGD: "Class C0". The valine amino acid residue is found in multiple mammalian species, which suggests that this missense change does not adversely affect protein function. This variant has not been reported in the literature in individuals affected with VPS13C-related conditions. This variant is present in population databases (rs545094428, gnomAD 0.01%). This sequence change replaces methionine, which is neutral and non-polar, with valine, which is neutral and non-polar, at codon 2893 of the VPS13C protein (p.Met2893Val).